The following is an entry in ClinVar:

ClinVar aggregate classification (germline): Conflicting classifications of pathogenicity. Review status: criteria provided, conflicting classifications (1 of 4 stars). 7 submissions from 7 submitters: Uncertain significance (5); Likely benign (1). 1 of the submissions does not count toward it. Last evaluated 2024-07-03.

Conditions:
Hereditary cancer-predisposing syndrome. Also called: Tumor predisposition; Neoplastic Syndromes, Hereditary; Hereditary Cancer Syndrome; Hereditary neoplastic syndrome. Identifiers: Orphanet 140162, MedGen C0027672, MeSH D009386, MONDO:0015356.
Hereditary breast ovarian cancer syndrome. Also called: Hereditary breast and ovarian cancer syndrome (HBOC); Hereditary breast and ovarian cancer syndrome; Hereditary breast and ovarian cancer; Hereditary breast and/or ovarian cancer syndrome; Breast and ovarian cancer; BRCA1- and BRCA2-Associated Hereditary Breast and Ovarian Cancer. Identifiers: Orphanet 145, MedGen C0677776, MeSH D061325, MONDO:0003582. Disease mechanism: loss of function.
Breast-ovarian cancer, familial, susceptibility to, 1 (BROVCA1). Also called: OVARIAN CANCER, SUSCEPTIBILITY TO; BRCA1 Hereditary Breast and Ovarian Cancer. Identifiers: Orphanet 145, MedGen C2676676, MONDO:0011450, OMIM 604370. Disease mechanism: loss of function.

Submissions (7):

Labcorp Genetics (formerly Invitae), Labcorp
Classification: Uncertain significance for Hereditary breast ovarian cancer syndrome. Last evaluated: 2024-07-03. Review status: criteria provided, single submitter. Criteria: Invitae Variant Classification Sherloc (09022015). Collection method: clinical testing. Allele origin: germline.
Comment: This sequence change replaces serine, which is neutral and polar, with asparagine, which is neutral and polar, at codon 1027 of the BRCA1 protein (p.Ser1027Asn). This variant is not present in population databases (gnomAD no frequency). This missense change has been observed in individual(s) with breast cancer (PMID: 10923033). ClinVar contains an entry for this variant (Variation ID: 54767). Advanced modeling of protein sequence and biophysical properties (such as structural, functional, and spatial information, amino acid conservation, physicochemical variation, residue mobility, and thermodynamic stability) performed at Invitae indicates that this missense variant is not expected to disrupt BRCA1 protein function with a negative predictive value of 95%. In summary, the available evidence is currently insufficient to determine the role of this variant in disease. Therefore, it has been classified as a Variant of Uncertain Significance.

All of Us Research Program, National Institutes of Health
Classification: Uncertain significance for Breast-ovarian cancer, familial, susceptibility to, 1. Last evaluated: 2023-04-27. Review status: criteria provided, single submitter. Criteria: ACMG Guidelines, 2015. Collection method: clinical testing. Allele origin: germline. Inheritance: Autosomal dominant inheritance. Observed: 1 variant allele, 1 heterozygote.
Comment: This missense variant replaces serine with asparagine at codon 1027 of the BRCA1 protein. Computational prediction suggests that this variant may not impact protein structure and function (internally defined REVEL score threshold <= 0.5, PMID: 27666373). To our knowledge, functional studies have not been reported for this variant. This variant has been reported in an individual in the Breast Cancer Information Core database (PMID: 10923033). This variant has not been identified in the general population by the Genome Aggregation Database (gnomAD). The available evidence is insufficient to determine the role of this variant in disease conclusively. Therefore, this variant is classified as a Variant of Uncertain Significance.

This study involves interpretation of variants in research participants for the purpose of population health screening. Participant phenotype was not available at the time of variant classification. Additional details can be found in publication PMID: 35346344, PMCID: PMC8962531

University of Washington Department of Laboratory Medicine, University of Washington
Classification: Likely benign for Hereditary cancer-predisposing syndrome. Last evaluated: 2023-03-23. Review status: criteria provided, single submitter. Criteria: Dines et al. (Genet Med. 2020). Collection method: curation. Allele origin: germline.
Comment: Missense variant in a coldspot region where missense variants are very unlikely to be pathogenic (PMID:31911673).

BRCA1 coldspot (exon 11 using historical exon numbering). Reclassification based on statistical prior probability

Ambry Genetics
Classification: Uncertain significance for Hereditary cancer-predisposing syndrome. Last evaluated: 2023-02-21. Review status: criteria provided, single submitter. Criteria: Ambry Variant Classification Scheme 2023. Collection method: clinical testing. Allele origin: germline.
Comment: The p.S1027N variant (also known as c.3080G>A), located in coding exon 9 of the BRCA1 gene, results from a G to A substitution at nucleotide position 3080. The serine at codon 1027 is replaced by asparagine, an amino acid with highly similar properties. Using a comparative evolutionary approach, one study predicted that this missense alteration affects protein function because it occurs at a conservative site (Fleming MA et al. Proc Natl Acad Sci U S A, 2003 Feb;100:1151-6). This alteration was classified as uncertain significance based on a multifactorial analysis model of variant classification (Parsons MT et al. Hum Mutat, 2019 09;40:1557-1578). This amino acid position is well conserved in available vertebrate species. In addition, this alteration is predicted to be tolerated by in silico analysis. Since supporting evidence is limited at this time, the clinical significance of this alteration remains unclear.

Quest Diagnostics Nichols Institute San Juan Capistrano
Classification: Uncertain significance. Last evaluated: 2020-10-15. Review status: criteria provided, single submitter. Criteria: Quest Diagnostics criteria. Collection method: clinical testing. Allele origin: unknown.

GeneDx
Classification: Uncertain significance. Last evaluated: 2015-01-19. Review status: criteria provided, single submitter. Criteria: GeneDx Variant Classification (06012015). Collection method: clinical testing. Allele origin: germline. Affected: yes.
Comment: This variant is denoted BRCA1 c.3080G>A at the cDNA level, p.Ser1027Asn (S1027N) at the protein level, and results in the change of a Serine to an Asparagine (AGC>AAC). Using alternate nomenclature, this variant would be defined as BRCA1 3199G>A. Evolutionary conservation models have been applied to this variant to predict its effect, with inconsistent results (Fleming 2003, Pavlicek 2004, Burk-Herrick 2006). BRCA1 Ser1027Asn was not observed in approximately 6,500 individuals of European and African American ancestry in the NHLBI Exome Sequencing Project, indicating it is not a common benign variant in these populations. Since Serine and Asparagine share similar properties, this is considered a conservative amino acid substitution. BRCA1 Ser1027Asn occurs at a position that is well conserved through mammals and is located in the DNA binding domain (Narod 2004). In silico analyses are inconsistent regarding the effect this variant may have on protein structure and function. Based on currently available information, it is unclear whether BRCA1 Ser1027Asn is pathogenic or benign. We consider it to be a variant of uncertain significance.

Breast Cancer Information Core (BIC) (BRCA1)
Classification: Uncertain significance for Breast-ovarian cancer, familial 1. Review status: no assertion criteria provided. Collection method: clinical testing. Allele origin: germline. Affected: yes. Observed: 1 variant allele. Not counted in ClinVar's aggregate classification.

Literature cited by the submitters: PubMed 10923033 (cited by Labcorp Genetics (formerly Invitae), Labcorp and All of Us Research Program, National Institutes of Health); PubMed 12531920 (cited by Ambry Genetics and Quest Diagnostics Nichols Institute San Juan Capistrano); PubMed 31131967 (cited by Ambry Genetics); PubMed 16518693 (cited by Quest Diagnostics Nichols Institute San Juan Capistrano).

NM_007294.4(BRCA1):c.3080G>A (p.Ser1027Asn)

Gene: BRCA1 (BRCA1 DNA repair associated; minus strand). Cytogenetic location: 17q21.31.
Variant type: single nucleotide variant.
Coding change: c.3080G>A on transcript NM_007294.4 (MANE Select); coding-DNA position 3080, G replaced by A.
Protein change: p.Ser1027Asn; replaces serine 1027 with asparagine.
Molecular consequence: missense variant. On other transcripts: intron variant (137).
Genome position (GRCh38, 1-based): chr17:43,092,451, C>T on the plus strand (G>A on the coding strand, the complement: BRCA1 is on the minus strand). VCF-style: chr17-43092451-C-T. GRCh37 (hg19) VCF-style: chr17-41244468-C-T.
Other names: c.2867G>A, p.Ser956Asn (NM_001407571.1, NM_001407853.1, NM_001407894.1 and 9 more transcripts); c.3080G>A, p.Ser1027Asn (NM_001407581.1, NM_001407582.1, NM_001407583.1 and 30 more transcripts); c.3077G>A, p.Ser1026Asn (NM_001407587.1, NM_001407590.1, NM_001407591.1 and 22 more transcripts); c.3071G>A, p.Ser1024Asn (NM_001407646.1, NM_001407647.1); c.2957G>A, p.Ser986Asn (NM_001407648.1, NM_001407664.1, NM_001407665.1 and 19 more transcripts); c.2954G>A, p.Ser985Asn (NM_001407649.1, NM_001407670.1, NM_001407671.1 and 11 more transcripts); c.3002G>A, p.Ser1001Asn (NM_001407653.1, NM_001407654.1, NM_001407655.1 and 4 more transcripts); c.2999G>A, p.Ser1000Asn (NM_001407659.1, NM_001407660.1, NM_001407661.1 and 1 more transcripts); and 41 more; short protein forms S1027N, S980N, S899N, S915N, S957N, S979N, S1000N, S900N.
Identifiers: ClinVar variation 54767 (VCV000054767.20), dbSNP rs80357386, ClinGen allele CA002018.